The following is an entry in ClinVar:

NM_001035.3(RYR2):c.2909A>G (p.Tyr970Cys)

Gene: RYR2 (ryanodine receptor 2; plus strand). Cytogenetic location: 1q43.
Variant type: single nucleotide variant.
Coding change: c.2909A>G on transcript NM_001035.3 (MANE Select); coding-DNA position 2909, A replaced by G.
Protein change: p.Tyr970Cys; replaces tyrosine 970 with cysteine.
Molecular consequence: missense variant.
Genome position (GRCh38, 1-based): chr1:237,548,433, A>G. VCF-style: chr1-237548433-A-G. GRCh37 (hg19) VCF-style: chr1-237711733-A-G.
Other names: short protein forms Y970C.
Identifiers: ClinVar variation 918551 (VCV000918551.4), dbSNP rs753510394, ClinGen allele CA086237.
Genomic context (GRCh38, chr1:237,548,433, plus strand): 5'-ACAGAGATTTTTATGAAAAGGCCAATTATACACAAATTTCTTTGTCTCTGATTTGTAGTT[A>G]CCAGCTGACAAGTGGATACAAGCCTGCCCCTATGGACCTGAGCTTTATCAAACTCACCCC-3'
Protein context (NP_001026.2, residues 960-980): KVKKMKLPKN[Tyr970Cys]QLTSGYKPAP

ClinVar aggregate classification (germline): Uncertain significance (1 of 4 stars; one submission).

Conditions:
Cardiomyopathy (CMYO). Also called: Cardiomyopathies. Identifiers: Orphanet 167848, MedGen C0878544, MONDO:0004994, HP:0001638. Inheritance: Various modes of inheritance.

Allele frequency attached by ClinVar (database versions not stated): gnomAD exomes 0.00002; ExAC 0.00004.
gnomAD v4.1: 12 of 1,613,460 alleles (0.00074%); highest among the groups gnomAD compares: Non-Finnish European, 0.00085%; no homozygotes.

Submission:

Color Diagnostics, LLC DBA Color Health
Classification: Uncertain significance for Cardiomyopathy. Last evaluated: 2022-02-10. Review status: criteria provided, single submitter. Criteria: ACMG Guidelines, 2015. Collection method: clinical testing. Allele origin: germline.
Comment: This variant is located in the RYR2 protein. Computational prediction suggests that this variant may have deleterious impact on protein structure and function (internally defined REVEL score threshold >= 0.7, PMID: 27666373). To our knowledge, functional studies have not been reported for this variant. This variant has not been reported in individuals affected with cardiovascular disorders in the literature. This variant has been identified in 6/248028 chromosomes in the general population by the Genome Aggregation Database (gnomAD). The available evidence is insufficient to determine the role of this variant in disease conclusively. Therefore, this variant is classified as a Variant of Uncertain Significance.